The following is an entry in ClinVar:

ClinVar aggregate classification (germline): Pathogenic (1 of 4 stars; one submission).

Conditions:
Tuberous sclerosis 2 (TSC2). Identifiers: Orphanet 805, MedGen C1860707, MONDO:0013199, OMIM 613254.

Submission:

Labcorp Genetics (formerly Invitae), Labcorp
Classification: Pathogenic for Tuberous sclerosis 2. Last evaluated: 2025-08-14. Review status: criteria provided, single submitter. Criteria: Invitae Variant Classification Sherloc (09022015). Collection method: clinical testing. Allele origin: germline.
Comment: This sequence change creates a premature translational stop signal (p.Ser188Thrfs*14) in the TSC2 gene. It is expected to result in an absent or disrupted protein product. Loss-of-function variants in TSC2 are known to be pathogenic (PMID: 10205261, 17304050). This variant is not present in population databases (gnomAD no frequency). This variant has not been reported in the literature in individuals affected with TSC2-related conditions. Algorithms developed to predict the effect of sequence changes on RNA splicing suggest that this variant may disrupt the consensus splice site. For these reasons, this variant has been classified as Pathogenic.

Literature cited by the submitters: PubMed 10205261; PubMed 17304050.

NM_000548.5(TSC2):c.563del (p.Ser188fs)

Gene: TSC2 (TSC complex subunit 2; plus strand). Cytogenetic location: 16p13.3.
Variant type: Deletion.
Coding change: c.563del on transcript NM_000548.5 (MANE Select); coding-DNA position 563, one base deleted (G; older notation c.563delG).
Protein change: p.Ser188fs; shifts the reading frame from serine 188.
Molecular consequence: frameshift variant. On other transcripts: 5 prime UTR variant (13), non-coding transcript variant (5), intron variant (6).
Genome position (GRCh38, 1-based): chr16:2,055,483, G deleted. VCF-style (leftmost placement, unchanged base first): chr16-2055482-AG-A. GRCh37 (hg19) VCF-style: chr16-2105483-AG-A.
Other names: c.653del, p.Ser218fs (NM_001406667.1, NM_001406668.1); c.452del, p.Ser151fs (NM_001406670.1, NM_001318827.2, NM_001406678.1); c.563del, p.Ser188fs (NM_001406671.1, NM_001406673.1, NM_001077183.3 and 8 more transcripts); c.416del, p.Ser139fs (NM_001406675.1, NM_001406676.1, NM_001318829.2 and 1 more transcripts); c.506del, p.Ser169fs (NM_001406677.1); c.596del, p.Ser199fs (NM_001318832.2); c.-254del (NM_001406680.1, NM_001406683.1, NM_001406687.1); c.101del, p.Ser34fs (NM_001406681.1); and 6 more; short protein forms S218fs, S34fs, S151fs, S169fs, S139fs, S188fs, S199fs.
Identifiers: ClinVar variation 4725430 (VCV004725430.1).